The following is an entry in ClinVar:

ClinVar aggregate classification (germline): Likely benign (0 of 4 stars; one submission).

Conditions:
CDC42BPB-related disorder.

Allele frequency attached by ClinVar (database versions not stated): 1000 Genomes Project 0.00080; 1000 Genomes Project 30x 0.00109.
gnomAD v4.1: 276 of 1,613,242 alleles (0.017%); highest among the groups gnomAD compares: African/African-American, 0.29%; no homozygotes.

Submission:

PreventionGenetics, part of Exact Sciences
Classification: Likely benign for CDC42BPB-related condition. Last evaluated: 2024-01-11. Review status: no assertion criteria provided. Collection method: clinical testing. Allele origin: germline.
Comment: This variant is classified as likely benign based on ACMG/AMP sequence variant interpretation guidelines (Richards et al. 2015 PMID: 25741868, with internal and published modifications).

NM_006035.4(CDC42BPB):c.1521C>T (p.Leu507=)

Gene: CDC42BPB (CDC42 binding protein kinase beta; minus strand). Cytogenetic location: 14q32.32.
Variant type: single nucleotide variant.
Coding change: c.1521C>T on transcript NM_006035.4 (MANE Select); coding-DNA position 1521, C replaced by T.
Protein change: p.Leu507=; no amino-acid change (leucine 507 retained).
Molecular consequence: synonymous variant.
Genome position (GRCh38, 1-based): chr14:102,974,136, G>A on the plus strand (C>T on the coding strand, the complement: CDC42BPB is on the minus strand). VCF-style: chr14-102974136-G-A. GRCh37 (hg19) VCF-style: chr14-103440473-G-A.
Other names: c.1521C>T, p.Leu507= (NM_001411054.1).
Identifiers: ClinVar variation 3049015 (VCV003049015.2), dbSNP rs8009219, ClinGen allele CA7361360.